The following is an entry in ClinVar:

ClinVar aggregate classification (germline): Uncertain significance (1 of 4 stars; one submission).

Conditions:
Macular corneal dystrophy (MCD). Also called: GROENOUW TYPE II CORNEAL DYSTROPHY; Macular corneal dystrophy Type I. Identifiers: Orphanet 98969, MedGen C1636149, MONDO:0009020, OMIM 217800.

Allele frequency attached by ClinVar (database versions not stated): TOPMed below 0.00001.
gnomAD v4.1: 1 of 1,612,906 alleles (0.000062%); highest among the groups gnomAD compares: African/African-American, 0.0013%; no homozygotes.

Submission:

Labcorp Genetics (formerly Invitae), Labcorp
Classification: Uncertain significance for Macular corneal dystrophy. Last evaluated: 2021-10-20. Review status: criteria provided, single submitter. Criteria: Invitae Variant Classification Sherloc (09022015). Collection method: clinical testing. Allele origin: germline.
Comment: This variant is not present in population databases (gnomAD no frequency). This sequence change replaces aspartic acid, which is acidic and polar, with histidine, which is basic and polar, at codon 119 of the CHST6 protein (p.Asp119His). This variant has not been reported in the literature in individuals affected with CHST6-related conditions. In summary, the available evidence is currently insufficient to determine the role of this variant in disease. Therefore, it has been classified as a Variant of Uncertain Significance. Algorithms developed to predict the effect of missense changes on protein structure and function are either unavailable or do not agree on the potential impact of this missense change (SIFT: "Tolerated"; PolyPhen-2: "Probably Damaging"; Align-GVGD: "Class C0").

NM_021615.5(CHST6):c.355G>C (p.Asp119His)

Gene: CHST6 (carbohydrate sulfotransferase 6; minus strand). Cytogenetic location: 16q23.1.
Variant type: single nucleotide variant.
Coding change: c.355G>C on transcript NM_021615.5 (MANE Select); coding-DNA position 355, G replaced by C.
Protein change: p.Asp119His; replaces aspartic acid 119 with histidine.
Molecular consequence: missense variant.
Genome position (GRCh38, 1-based): chr16:75,479,474, C>G on the plus strand (G>C on the coding strand, the complement: CHST6 is on the minus strand). VCF-style: chr16-75479474-C-G. GRCh37 (hg19) VCF-style: chr16-75513372-C-G.
Other names: short protein forms D119H.
Identifiers: ClinVar variation 1464323 (VCV001464323.6), dbSNP rs2080111143, ClinGen allele CA396792945.